The following is an entry in ClinVar:

NM_006648.4(WNK2):c.3891C>G (p.Asn1297Lys)

Gene: WNK2 (WNK lysine deficient protein kinase 2; plus strand). Cytogenetic location: 9q22.31.
Variant type: single nucleotide variant.
Coding change: c.3891C>G on transcript NM_006648.4 (MANE Select); coding-DNA position 3891, C replaced by G.
Protein change: p.Asn1297Lys; replaces asparagine 1297 with lysine.
Molecular consequence: missense variant.
Genome position (GRCh38, 1-based): chr9:93,268,043, C>G. VCF-style: chr9-93268043-C-G. GRCh37 (hg19) VCF-style: chr9-96030325-C-G.
Other names: c.3891C>G, p.Asn1297Lys (NM_001282394.3); short protein forms N1297K.
Identifiers: ClinVar variation 3981931 (VCV003981931.1).

ClinVar aggregate classification (germline): Uncertain significance (1 of 4 stars; one submission).

gnomAD v4.1: 5 of 1,612,170 alleles (0.00031%); highest among the groups gnomAD compares: Non-Finnish European, 0.00042%; no homozygotes.

Submission:

Ambry Genetics
Classification: Uncertain significance. Last evaluated: 2025-04-20. Review status: criteria provided, single submitter. Criteria: Ambry Variant Classification Scheme 2023. Collection method: clinical testing. Allele origin: germline.
Comment: The p.N1297K variant (also known as c.3891C>G), located in coding exon 17 of the WNK2 gene, results from a C to G substitution at nucleotide position 3891. The asparagine at codon 1297 is replaced by lysine, an amino acid with similar properties. This amino acid position is conserved. In addition, this alteration is predicted to be tolerated by in silico analysis. Based on the available evidence, the clinical significance of this variant remains unclear.